The following is an entry in ClinVar:

NM_000719.7(CACNA1C):c.3544C>G (p.Leu1182Val)

Gene: CACNA1C (calcium voltage-gated channel subunit alpha1 C; plus strand). Cytogenetic location: 12p13.33.
Variant type: single nucleotide variant.
Coding change: c.3544C>G on transcript NM_000719.7 (MANE Select); coding-DNA position 3544, C replaced by G.
Protein change: p.Leu1182Val; replaces leucine 1182 with valine.
Molecular consequence: missense variant.
Genome position (GRCh38, 1-based): chr12:2,608,698, C>G. VCF-style: chr12-2608698-C-G. GRCh37 (hg19) VCF-style: chr12-2717864-C-G.
Other names: c.3604C>G, p.Leu1202Val (NM_001129827.2, NM_001129832.2, NM_199460.4); c.3544C>G, p.Leu1182Val (NM_001129829.2, NM_001129830.3, NM_001129831.2 and 15 more transcripts); c.3535C>G, p.Leu1179Val (NM_001129844.2); short protein forms L1179V, L1182V, L1202V.
Identifiers: ClinVar variation 1732510 (VCV001732510.2), dbSNP rs2518588643, ClinGen allele CA383375801.

ClinVar aggregate classification (germline): Uncertain significance (1 of 4 stars; one submission).

Conditions:
Cardiovascular phenotype. Identifiers: MedGen CN230736.

Submission:

Ambry Genetics
Classification: Uncertain significance for Cardiovascular phenotype. Last evaluated: 2021-04-27. Review status: criteria provided, single submitter. Criteria: Ambry Variant Classification Scheme 2023. Collection method: clinical testing. Allele origin: germline.
Comment: The p.L1182V variant (also known as c.3544C>G), located in coding exon 27 of the CACNA1C gene, results from a C to G substitution at nucleotide position 3544. The leucine at codon 1182 is replaced by valine, an amino acid with highly similar properties. This amino acid position is highly conserved in available vertebrate species. In addition, this alteration is predicted to be deleterious by in silico analysis. Since supporting evidence is limited at this time, the clinical significance of this alteration remains unclear.